The following is an entry in ClinVar:

NM_005591.4(MRE11):c.952C>A (p.Pro318Thr)

Gene: MRE11 (MRE11 double strand break repair nuclease; minus strand). Cytogenetic location: 11q21.
Variant type: single nucleotide variant.
Coding change: c.952C>A on transcript NM_005591.4 (MANE Select); coding-DNA position 952, C replaced by A.
Protein change: p.Pro318Thr; replaces proline 318 with threonine.
Molecular consequence: missense variant.
Genome position (GRCh38, 1-based): chr11:94,470,536, G>T on the plus strand (C>A on the coding strand, the complement: MRE11 is on the minus strand). VCF-style: chr11-94470536-G-T. GRCh37 (hg19) VCF-style: chr11-94203702-G-T.
Other names: c.952C>A, p.Pro318Thr (NM_001330347.2, NM_001440460.1, NM_001440461.1 and 18 more transcripts); c.877C>A, p.Pro293Thr (NM_001440471.1, NM_001440472.1, NM_001440479.1); c.484C>A, p.Pro162Thr (NM_001440485.1, NM_001440486.1, NM_001440487.1); c.607C>A, p.Pro203Thr (NM_001440482.1, NM_001440483.1, NM_001440484.1); short protein forms P203T, P318T, P162T, P293T.
Identifiers: ClinVar variation 4829870 (VCV004829870.1).

ClinVar aggregate classification (germline): Uncertain significance (1 of 4 stars; one submission).

Conditions:
Hereditary cancer-predisposing syndrome. Also called: Neoplastic Syndromes, Hereditary; Tumor predisposition; Hereditary Cancer Syndrome; Hereditary neoplastic syndrome. Identifiers: Orphanet 140162, MedGen C0027672, MeSH D009386, MONDO:0015356.

Submission:

Ambry Genetics
Classification: Uncertain significance for Hereditary cancer-predisposing syndrome. Last evaluated: 2026-03-03. Review status: criteria provided, single submitter. Criteria: Ambry Variant Classification Scheme 2023. Collection method: clinical testing. Allele origin: germline.
Comment: The p.P318T variant (also known as c.952C>A), located in coding exon 8 of the MRE11A gene, results from a C to A substitution at nucleotide position 952. The proline at codon 318 is replaced by threonine, an amino acid with highly similar properties. This amino acid position is conserved. In addition, the in silico prediction for this alteration is inconclusive. Based on the available evidence, the clinical significance of this variant remains unclear.